The following is an entry in ClinVar:

ClinVar aggregate classification (germline): Uncertain significance (1 of 4 stars; one submission).

Submission:

GeneDx
Classification: Uncertain significance. Last evaluated: 2021-09-27. Review status: criteria provided, single submitter. Criteria: GeneDx Variant Classification Process June 2021. Collection method: clinical testing. Allele origin: germline. Affected: yes.
Comment: Not observed in large population cohorts (Lek et al., 2016); In silico analysis, which includes protein predictors and evolutionary conservation, supports a deleterious effect

NM_003119.4(SPG7):c.1760A>C (p.His587Pro)

Gene: SPG7 (SPG7 matrix AAA peptidase subunit, paraplegin; plus strand). Cytogenetic location: 16q24.3.
Variant type: single nucleotide variant.
Coding change: c.1760A>C on transcript NM_003119.4 (MANE Select); coding-DNA position 1760, A replaced by C.
Protein change: p.His587Pro; replaces histidine 587 with proline.
Molecular consequence: missense variant.
Genome position (GRCh38, 1-based): chr16:89,550,590, A>C. VCF-style: chr16-89550590-A-C. GRCh37 (hg19) VCF-style: chr16-89616998-A-C.
Other names: c.1760A>C, p.His587Pro (NM_001363850.1); short protein forms H587P.
Identifiers: ClinVar variation 392787 (VCV000392787.4), dbSNP rs1057524632, ClinGen allele CA16607146.